The following is an entry in ClinVar:

NM_000350.3(ABCA4):c.2304C>G (p.Ile768Met)

Gene: ABCA4 (ATP binding cassette subfamily A member 4; minus strand). Cytogenetic location: 1p22.1.
Variant type: single nucleotide variant.
Coding change: c.2304C>G on transcript NM_000350.3 (MANE Select); coding-DNA position 2304, C replaced by G.
Protein change: p.Ile768Met; replaces isoleucine 768 with methionine.
Molecular consequence: missense variant.
Genome position (GRCh38, 1-based): chr1:94,056,679, G>C on the plus strand (C>G on the coding strand, the complement: ABCA4 is on the minus strand). VCF-style: chr1-94056679-G-C. GRCh37 (hg19) VCF-style: chr1-94522235-G-C.
Other names: short protein forms I768M.
Identifiers: ClinVar variation 917610 (VCV000917610.6), dbSNP rs946594091, ClinGen allele CA26844128.

ClinVar aggregate classification (germline): Uncertain significance. Review status: criteria provided, multiple submitters, no conflicts (2 of 4 stars). 2 submissions from 2 submitters: Uncertain significance (2). Last evaluated 2022-06-13.

Allele frequency attached by ClinVar (database versions not stated): gnomAD exomes below 0.00001; gnomAD 0.00001 and 0.00002; TOPMed 0.00002.
gnomAD v4.1: 8 of 1,614,050 alleles (0.0005%); highest among the groups gnomAD compares: African/African-American, 0.008%; no homozygotes.

Submissions (2):

Labcorp Genetics (formerly Invitae), Labcorp
Classification: Uncertain significance. Last evaluated: 2022-06-13. Review status: criteria provided, single submitter. Criteria: Invitae Variant Classification Sherloc (09022015). Collection method: clinical testing. Allele origin: germline.
Comment: This sequence change replaces isoleucine, which is neutral and non-polar, with methionine, which is neutral and non-polar, at codon 768 of the ABCA4 protein (p.Ile768Met). This variant is present in population databases (no rsID available, gnomAD 0.02%). This variant has not been reported in the literature in individuals affected with ABCA4-related conditions. ClinVar contains an entry for this variant (Variation ID: 917610). Advanced modeling of protein sequence and biophysical properties (such as structural, functional, and spatial information, amino acid conservation, physicochemical variation, residue mobility, and thermodynamic stability) performed at Invitae indicates that this missense variant is not expected to disrupt ABCA4 protein function. In summary, the available evidence is currently insufficient to determine the role of this variant in disease. Therefore, it has been classified as a Variant of Uncertain Significance.

Women's Health and Genetics/Laboratory Corporation of America, LabCorp
Classification: Uncertain significance. Last evaluated: 2020-01-08. Review status: criteria provided, single submitter. Criteria: LabCorp Variant Classification Summary - May 2015. Collection method: clinical testing. Allele origin: germline.
Comment: Variant summary: ABCA4 c.2304C>G (p.Ile768Met) results in a conservative amino acid change in the encoded protein sequence. Three of five in-silico tools predict a benign effect of the variant on protein function. The variant allele was found at a frequency of 3.2e-05 in 31404 control chromosomes (gnomAD). The available data on variant occurrences in the general population are insufficient to allow any conclusion about variant significance. To our knowledge, no occurrence of c.2304C>G in individuals affected with Stargardt disease and no experimental evidence demonstrating an impact on protein function have been reported. No clinical diagnostic laboratories have submitted clinical-significance assessments for this variant to ClinVar after 2014. Based on the evidence outlined above, the variant was classified as uncertain significance.